The following is an entry in ClinVar:

ClinVar aggregate classification (germline): Uncertain significance. Review status: criteria provided, multiple submitters, no conflicts (2 of 4 stars). 3 submissions from 3 submitters: Uncertain significance (3). Last evaluated 2025-12-22.

Conditions:
Cardiovascular phenotype. Identifiers: MedGen CN230736.
Dilated cardiomyopathy 1II (CMD1II). Identifiers: Orphanet 154, MedGen C3554649, MONDO:0014073, OMIM 615184.

Allele frequency attached by ClinVar (database versions not stated): gnomAD 0.00001; gnomAD exomes 0.00001; TOPMed below 0.00001.
gnomAD v4.1: 16 of 1,612,972 alleles (0.00099%); highest among the groups gnomAD compares: Non-Finnish European, 0.0014%; no homozygotes.

Submissions (3):

Labcorp Genetics (formerly Invitae), Labcorp
Classification: Uncertain significance for Dilated cardiomyopathy 1II. Last evaluated: 2025-12-22. Review status: criteria provided, single submitter. Criteria: Invitae Variant Classification Sherloc (09022015). Collection method: clinical testing. Allele origin: germline.
Comment: This sequence change replaces phenylalanine, which is neutral and non-polar, with leucine, which is neutral and non-polar, at codon 38 of the CRYAB protein (p.Phe38Leu). This variant is present in population databases (no rsID available, gnomAD 0.002%). This variant has not been reported in the literature in individuals affected with CRYAB-related conditions. ClinVar contains an entry for this variant (Variation ID: 843625). An algorithm developed to predict the effect of missense changes on protein structure and function (PolyPhen-2) suggests that this variant is likely to be tolerated. In summary, the available evidence is currently insufficient to determine the role of this variant in disease. Therefore, it has been classified as a Variant of Uncertain Significance.

Ambry Genetics
Classification: Uncertain significance for Cardiovascular phenotype. Last evaluated: 2024-12-14. Review status: criteria provided, single submitter. Criteria: Ambry Variant Classification Scheme 2023. Collection method: clinical testing. Allele origin: germline.
Comment: The p.F38L variant (also known as c.112T>C), located in coding exon 1 of the CRYAB gene, results from a T to C substitution at nucleotide position 112. The phenylalanine at codon 38 is replaced by leucine, an amino acid with highly similar properties. This amino acid position is well conserved in available vertebrate species. In addition, this alteration is predicted to be tolerated by in silico analysis. Since supporting evidence is limited at this time, the clinical significance of this alteration remains unclear.

GeneDx
Classification: Uncertain significance. Last evaluated: 2023-03-21. Review status: criteria provided, single submitter. Criteria: GeneDx Variant Classification Process June 2021. Collection method: clinical testing. Allele origin: germline. Affected: yes.
Comment: Has not been previously published as pathogenic or benign to our knowledge; Not observed at a significant frequency in large population cohorts (gnomAD); In silico analysis, which includes protein predictors and evolutionary conservation, supports that this variant does not alter protein structure/function

NM_001289808.2(CRYAB):c.112T>C (p.Phe38Leu)

Gene: CRYAB (crystallin alpha B; minus strand). Cytogenetic location: 11q23.1.
Variant type: single nucleotide variant.
Coding change: c.112T>C on transcript NM_001289808.2 (MANE Select); coding-DNA position 112, T replaced by C.
Protein change: p.Phe38Leu; replaces phenylalanine 38 with leucine.
Molecular consequence: missense variant.
Genome position (GRCh38, 1-based): chr11:111,911,613, A>G on the plus strand (T>C on the coding strand, the complement: CRYAB is on the minus strand). VCF-style: chr11-111911613-A-G. GRCh37 (hg19) VCF-style: chr11-111782337-A-G.
Other names: c.112T>C, p.Phe38Leu (NM_001289807.1, NM_001368245.1, NM_001885.3); short protein forms F38L.
Identifiers: ClinVar variation 843625 (VCV000843625.15), dbSNP rs1237590699, ClinGen allele CA382600606.
Genomic context (GRCh38, chr11:111,911,613, plus strand): 5'-GTGCCCGCAGGAAGGAGGGTGGCCGAAGGTAGAAGGGACTCAGGGAAGTAGACGTCGGGA[A>G]AAGATCAGACTCCAACAGGTGCTCTCCGAAGAACTGGTCAAAGAGGCGGCTGGGGGAGTG-3'
Protein context (NP_001276737.1, residues 28-48): FGEHLLESDL[Phe38Leu]PTSTSLSPFY